The following is an entry in ClinVar:

NM_014324.6(AMACR):c.*1203A>G

Genes: AMACR (alpha-methylacyl-CoA racemase; minus strand), C1QTNF3-AMACR (C1QTNF3-AMACR readthrough (NMD candidate); minus strand). Cytogenetic location: 5p13.2.
Variant type: single nucleotide variant.
Coding change: c.*1203A>G on transcript NM_014324.6 (MANE Select); 1203 bases downstream of the stop codon, A replaced by G.
Molecular consequence: 3 prime UTR variant. On other transcripts: non-coding transcript variant (1).
Genome position (GRCh38, 1-based): chr5:33,987,890, T>C on the plus strand (A>G on the coding strand, the complement: AMACR is on the minus strand). VCF-style: chr5-33987890-T-C. GRCh37 (hg19) VCF-style: chr5-33987995-T-C.
Other names: c.*418A>G (NM_001167595.2); c.*1594A>G (NM_203382.3).
Identifiers: ClinVar variation 905997 (VCV000905997.4), dbSNP rs190329271, ClinGen allele CA116906952.

ClinVar aggregate classification (germline): Likely benign (1 of 4 stars; one submission).

Conditions:
Alpha-methylacyl-CoA racemase deficiency (AMACRD). Also called: AMACR deficiency. Identifiers: Orphanet 79095, MedGen C3280428, MONDO:0013681, OMIM 614307. Disease mechanism: loss of function.

Allele frequency attached by ClinVar (database versions not stated): gnomAD 0.00108; TOPMed 0.00119; 1000 Genomes Project 30x 0.00281; 1000 Genomes Project 0.00300.

Submission:

Illumina Laboratory Services, Illumina
Classification: Likely benign for Alpha-methylacyl-CoA racemase deficiency. Last evaluated: 2018-01-12. Review status: criteria provided, single submitter. Criteria: ICSL Variant Classification Criteria 13 December 2019. Collection method: clinical testing. Allele origin: germline.
Comment: This variant was observed in the ICSL laboratory as part of a predisposition screen in an ostensibly healthy population. It had not been previously curated by ICSL or reported in the Human Gene Mutation Database (HGMD: prior to June 1st, 2018), and was therefore a candidate for classification through an automated scoring system. Utilizing variant allele frequency, disease prevalence and penetrance estimates, and inheritance mode, an automated score was calculated to assess if this variant is too frequent to cause the disease. Based on the score and internal cut-off values, a variant classified as likely benign is not then subjected to further curation. The score for this variant resulted in a classification of likely benign for this disease.